The following is an entry in ClinVar:

ClinVar aggregate classification (germline): Pathogenic. Review status: criteria provided, multiple submitters, no conflicts (2 of 4 stars). 2 submissions from 2 submitters: Pathogenic (2). Last evaluated 2022-11-22.

Conditions:
Early-infantile DEE. Also called: Ohtahara syndrome; Early infantile epileptic encephalopathy; Early infantile epileptic encephalopathy with suppression bursts. Identifiers: Orphanet 1934, MedGen C0393706, MONDO:0800491.

Submissions (2):

Labcorp Genetics (formerly Invitae), Labcorp
Classification: Pathogenic for Early-infantile DEE. Last evaluated: 2022-11-22. Review status: criteria provided, single submitter. Criteria: Invitae Variant Classification Sherloc (09022015). Collection method: clinical testing. Allele origin: germline.
Comment: This sequence change creates a premature translational stop signal (p.Gln1904*) in the SCN1A gene. While this is not anticipated to result in nonsense mediated decay, it is expected to disrupt the last 106 amino acid(s) of the SCN1A protein. This variant is not present in population databases (gnomAD no frequency). This premature translational stop signal has been observed in individual(s) with clinical features of SCN1A-related conditions (PMID: 17347258, 29573403). ClinVar contains an entry for this variant (Variation ID: 206948). This variant disrupts a region of the SCN1A protein in which other variant(s) (p.Arg1912*) have been determined to be pathogenic (PMID: 14738421, 20522430, 23195492; Invitae). This suggests that this is a clinically significant region of the protein, and that variants that disrupt it are likely to be disease-causing. For these reasons, this variant has been classified as Pathogenic.

GeneDx
Classification: Pathogenic. Last evaluated: 2014-09-17. Review status: criteria provided, single submitter. Criteria: GeneDx Variant Classification (06012015). Collection method: clinical testing. Allele origin: germline. Affected: yes.
Comment: p.Gln1904Ter (CAG>TAG): c.5710 C>T in exon 26 of the SCN1A gene (NM_001165963.1) The Q1904X nonsense mutation in the SCN1A gene has been reported previously as a de novo mutation in an individual with severe myoclonic epilepsy of infancy (Harkin et al., 2007). This mutation is predicted to cause loss of normal protein function through protein truncation, as the last 106 amino acid residues of the SCN1A protein are lost. Therefore, the presence of the Q1904X mutation is consistent with a diagnosis of an SCN1A-related disorder. The variant is found in EPILEPSY panel(s).

Literature cited by the submitters: PubMed 17347258 (cited by Labcorp Genetics (formerly Invitae), Labcorp); PubMed 29573403 (cited by Labcorp Genetics (formerly Invitae), Labcorp); PubMed 14738421 (cited by Labcorp Genetics (formerly Invitae), Labcorp); PubMed 20522430 (cited by Labcorp Genetics (formerly Invitae), Labcorp); PubMed 23195492 (cited by Labcorp Genetics (formerly Invitae), Labcorp).

NM_001165963.4(SCN1A):c.5710C>T (p.Gln1904Ter)

Genes: SCN1A (sodium voltage-gated channel alpha subunit 1; minus strand), LOC102724058 (uncharacterized LOC102724058; plus strand). Cytogenetic location: 2q24.3.
Variant type: single nucleotide variant.
Coding change: c.5710C>T on transcript NM_001165963.4 (MANE Select); coding-DNA position 5710, C replaced by T.
Protein change: p.Gln1904Ter; replaces glutamine 1904 with a stop codon.
Molecular consequence: nonsense. On other transcripts: non-coding transcript variant (1).
Genome position (GRCh38, 1-based): chr2:165,991,565, G>A on the plus strand (C>T on the coding strand, the complement: SCN1A is on the minus strand). VCF-style: chr2-165991565-G-A. GRCh37 (hg19) VCF-style: chr2-166848075-G-A.
Other names: p.Q1904*:CAG>TAG; c.5626C>T, p.Gln1876Ter (NM_001165964.3, NM_001353957.2, NM_001353958.2); c.5710C>T, p.Gln1904Ter (NM_001202435.3, NM_001353948.2); c.5677C>T, p.Gln1893Ter (NM_001353949.2, NM_001353950.2, NM_001353951.2 and 2 more transcripts); c.5674C>T, p.Gln1892Ter (NM_001353954.2, NM_001353955.2); c.5623C>T, p.Gln1875Ter (NM_001353960.2); c.3268C>T, p.Gln1090Ter (NM_001353961.2); short protein forms Q1893*, Q1904*, Q1876*, Q1892*, Q1090*, Q1875*.
Identifiers: ClinVar variation 206948 (VCV000206948.11), dbSNP rs796053103, ClinGen allele CA317828.